The following is an entry in ClinVar:

NM_015559.3(SETBP1):c.1907T>A (p.Val636Glu)

Gene: SETBP1 (SET binding protein 1; plus strand). Cytogenetic location: 18q12.3.
Variant type: single nucleotide variant.
Coding change: c.1907T>A on transcript NM_015559.3 (MANE Select); coding-DNA position 1907, T replaced by A.
Protein change: p.Val636Glu; replaces valine 636 with glutamic acid.
Molecular consequence: missense variant.
Genome position (GRCh38, 1-based): chr18:44,951,247, T>A. VCF-style: chr18-44951247-T-A. GRCh37 (hg19) VCF-style: chr18-42531212-T-A.
Other names: c.1907T>A, p.Val636Glu (NM_001379141.1, NM_001379142.1, NM_001410862.1); short protein forms V636E.
Identifiers: ClinVar variation 2144956 (VCV002144956.4), dbSNP rs1382831752, ClinGen allele CA402319873.
Genomic context (GRCh38, chr18:44,951,247, plus strand): 5'-AGTTTCCTGGCACTAAGAAAAGAAAGCGACGACGCAATTTAGCGAAGTTGGCCCAGCTAG[T>A]GCCGGGAGAGGACAAACCCATGAGCGAGATGAAATTTCACAAGAAAGTTGGAAAGCTCGG-3'
Protein context (NP_056374.2, residues 626-646): RRNLAKLAQL[Val636Glu]PGEDKPMSEM

ClinVar aggregate classification (germline): Uncertain significance (1 of 4 stars; one submission).

Allele frequency attached by ClinVar (database versions not stated): gnomAD 0.00001; gnomAD exomes 0.00001; TOPMed 0.00002.
gnomAD v4.1: 4 of 1,613,858 alleles (0.00025%); highest among the groups gnomAD compares: Admixed American, 0.0067%; no homozygotes.

Submission:

Labcorp Genetics (formerly Invitae), Labcorp
Classification: Uncertain significance. Last evaluated: 2024-05-15. Review status: criteria provided, single submitter. Criteria: Invitae Variant Classification Sherloc (09022015). Collection method: clinical testing. Allele origin: germline.
Comment: This sequence change replaces valine, which is neutral and non-polar, with glutamic acid, which is acidic and polar, at codon 636 of the SETBP1 protein (p.Val636Glu). This variant is present in population databases (no rsID available, gnomAD 0.006%). This variant has not been reported in the literature in individuals affected with SETBP1-related conditions. ClinVar contains an entry for this variant (Variation ID: 2144956). Advanced modeling of protein sequence and biophysical properties (such as structural, functional, and spatial information, amino acid conservation, physicochemical variation, residue mobility, and thermodynamic stability) performed at Invitae indicates that this missense variant is not expected to disrupt SETBP1 protein function with a negative predictive value of 80%. In summary, the available evidence is currently insufficient to determine the role of this variant in disease. Therefore, it has been classified as a Variant of Uncertain Significance.